The following is an entry in ClinVar:

ClinVar aggregate classification (germline): Pathogenic. Review status: criteria provided, multiple submitters, no conflicts (2 of 4 stars). 3 submissions from 3 submitters: Pathogenic (2). 1 of the submissions does not count toward it. Last evaluated 2023-11-28.

Conditions:
Maple syrup urine disease (MSUD). Identifiers: Orphanet 511, MedGen C0024776, MeSH D008375, MONDO:0009563. Disease mechanism: loss of function.
Maple syrup urine disease type 1A (MSUD1A). Also called: MSUD type 1A. Identifiers: MedGen C1855369, MONDO:0023691, OMIM 248600.

Allele frequency attached by ClinVar (database versions not stated): gnomAD exomes below 0.00001; TOPMed below 0.00001; ESP Exome Variant Server 0.00008.
gnomAD v4.1: 2 of 1,613,066 alleles (0.00012%); highest among the groups gnomAD compares: Non-Finnish European, 0.00017%; no homozygotes.

Submissions (3):

Baylor Genetics
Classification: Pathogenic for Maple syrup urine disease type 1A. Last evaluated: 2023-11-28. Review status: criteria provided, single submitter. Criteria: ACMG Guidelines, 2015. Collection method: clinical testing. Allele origin: unknown.

Labcorp Genetics (formerly Invitae), Labcorp
Classification: Pathogenic for Maple syrup urine disease. Last evaluated: 2022-12-24. Review status: criteria provided, single submitter. Criteria: Invitae Variant Classification Sherloc (09022015). Collection method: clinical testing. Allele origin: germline.
Comment: This variant is not present in population databases (gnomAD no frequency). This sequence change creates a premature translational stop signal (p.Ser242*) in the DBT gene. It is expected to result in an absent or disrupted protein product. Loss-of-function variants in DBT are known to be pathogenic (PMID: 16579849, 16786533). This variant has not been reported in the literature in individuals affected with DBT-related conditions. For these reasons, this variant has been classified as Pathogenic. ClinVar contains an entry for this variant (Variation ID: 370744).

Counsyl
Classification: Likely pathogenic for Maple syrup urine disease type 1A. Last evaluated: 2016-07-22. Review status: no assertion criteria provided. Collection method: clinical testing. Allele origin: unknown. Not counted in ClinVar's aggregate classification.

Literature cited by the submitters: PubMed 16579849 (cited by Labcorp Genetics (formerly Invitae), Labcorp); PubMed 16786533 (cited by Labcorp Genetics (formerly Invitae), Labcorp).

NM_001918.5(DBT):c.725C>G (p.Ser242Ter)

Gene: DBT (dihydrolipoamide branched chain transacylase E2; minus strand). Cytogenetic location: 1p21.2.
Variant type: single nucleotide variant.
Coding change: c.725C>G on transcript NM_001918.5 (MANE Select); coding-DNA position 725, C replaced by G.
Protein change: p.Ser242Ter; replaces serine 242 with a stop codon.
Molecular consequence: nonsense.
Genome position (GRCh38, 1-based): chr1:100,216,030, G>C on the plus strand (C>G on the coding strand, the complement: DBT is on the minus strand). VCF-style: chr1-100216030-G-C. GRCh37 (hg19) VCF-style: chr1-100681586-G-C.
Other names: short protein forms S242*.
Identifiers: ClinVar variation 370744 (VCV000370744.8), dbSNP rs201559874, ClinGen allele CA16040653.